The following is an entry in ClinVar:

ClinVar aggregate classification (germline): Uncertain significance. Review status: criteria provided, multiple submitters, no conflicts (2 of 4 stars). 2 submissions from 2 submitters: Uncertain significance (2). Last evaluated 2025-07-28.

Allele frequency attached by ClinVar (database versions not stated): gnomAD exomes below 0.00001; gnomAD 0.00001; ESP Exome Variant Server 0.00012.
gnomAD v4.1: 6 of 1,612,862 alleles (0.00037%); highest among the groups gnomAD compares: Non-Finnish European, 0.00051%; no homozygotes.

Submissions (2):

Labcorp Genetics (formerly Invitae), Labcorp
Classification: Uncertain significance. Last evaluated: 2025-07-28. Review status: criteria provided, single submitter. Criteria: Invitae Variant Classification Sherloc (09022015). Collection method: clinical testing. Allele origin: germline.
Comment: This sequence change replaces proline, which is neutral and non-polar, with serine, which is neutral and polar, at codon 582 of the COL11A2 protein (p.Pro582Ser). This variant is present in population databases (rs147517796, gnomAD 0.007%). This variant has not been reported in the literature in individuals affected with COL11A2-related conditions. ClinVar contains an entry for this variant (Variation ID: 1523680). Invitae Evidence Modeling of protein sequence and biophysical properties (such as structural, functional, and spatial information, amino acid conservation, physicochemical variation, residue mobility, and thermodynamic stability) indicates that this missense variant is not expected to disrupt COL11A2 protein function with a negative predictive value of 95%. In summary, the available evidence is currently insufficient to determine the role of this variant in disease. Therefore, it has been classified as a Variant of Uncertain Significance.

Blueprint Genetics
Classification: Uncertain significance. Last evaluated: 2024-04-05. Review status: criteria provided, single submitter. Criteria: ACMG Guidelines, 2015. Collection method: clinical testing. Allele origin: germline.

NM_080680.3(COL11A2):c.1744C>T (p.Pro582Ser)

Gene: COL11A2 (collagen type XI alpha 2 chain; minus strand). Cytogenetic location: 6p21.32.
Variant type: single nucleotide variant.
Coding change: c.1744C>T on transcript NM_080680.3 (MANE Select); coding-DNA position 1744, C replaced by T.
Protein change: p.Pro582Ser; replaces proline 582 with serine.
Molecular consequence: missense variant.
Genome position (GRCh38, 1-based): chr6:33,178,464, G>A on the plus strand (C>T on the coding strand, the complement: COL11A2 is on the minus strand). VCF-style: chr6-33178464-G-A. GRCh37 (hg19) VCF-style: chr6-33146241-G-A.
Other names: c.1423C>T, p.Pro475Ser (NM_080679.3); c.1486C>T, p.Pro496Ser (NM_080681.3); short protein forms P475S, P496S, P582S.
Identifiers: ClinVar variation 1523680 (VCV001523680.8), dbSNP rs147517796, ClinGen allele CA137073580.